The following is an entry in ClinVar:

ClinVar aggregate classification (germline): Uncertain significance. Review status: criteria provided, multiple submitters, no conflicts (2 of 4 stars). 4 submissions from 4 submitters: Uncertain significance (4). Last evaluated 2025-10-27.

Conditions:
GATA4-related disorder. Also called: GATA4-related condition. Identifiers: MedGen CN860321.
Cardiovascular phenotype. Identifiers: MedGen CN230736.
Atrioventricular septal defect 4 (AVSD4). Identifiers: MedGen C3280781, MONDO:0013747, OMIM 614430.

Allele frequency attached by ClinVar (database versions not stated): gnomAD 0.00001; TOPMed 0.00002.

Submissions (4):

Labcorp Genetics (formerly Invitae), Labcorp
Classification: Uncertain significance for Atrioventricular septal defect 4. Last evaluated: 2025-10-27. Review status: criteria provided, single submitter. Criteria: Invitae Variant Classification Sherloc (09022015). Collection method: clinical testing. Allele origin: germline.
Comment: This sequence change replaces glycine, which is neutral and non-polar, with valine, which is neutral and non-polar, at codon 156 of the GATA4 protein (p.Gly156Val). This variant is not present in population databases (gnomAD no frequency). This variant has not been reported in the literature in individuals affected with GATA4-related conditions. ClinVar contains an entry for this variant (Variation ID: 1304941). Invitae Evidence Modeling of protein sequence and biophysical properties (such as structural, functional, and spatial information, amino acid conservation, physicochemical variation, residue mobility, and thermodynamic stability) has been performed for this missense variant. However, the output from this modeling did not meet the statistical confidence thresholds required to predict the impact of this variant on GATA4 protein function. In summary, the available evidence is currently insufficient to determine the role of this variant in disease. Therefore, it has been classified as a Variant of Uncertain Significance.

GeneDx
Classification: Uncertain significance. Last evaluated: 2025-07-22. Review status: criteria provided, single submitter. Criteria: GeneDx Variant Classification Process June 2021. Collection method: clinical testing. Allele origin: germline. Affected: yes.
Comment: Not observed at significant frequency in large population cohorts (gnomAD); In silico analysis supports that this missense variant has a deleterious effect on protein structure/function; Has not been previously published as pathogenic or benign to our knowledge

Ambry Genetics
Classification: Uncertain significance for Cardiovascular phenotype. Last evaluated: 2025-05-26. Review status: criteria provided, single submitter. Criteria: Ambry Variant Classification Scheme 2023. Collection method: clinical testing. Allele origin: germline.

PreventionGenetics, part of Exact Sciences
Classification: Uncertain significance for GATA4-related condition. Last evaluated: 2023-01-17. Review status: criteria provided, single submitter. Criteria: ACMG Guidelines, 2015. Collection method: clinical testing. Allele origin: germline.
Comment: The GATA4 c.467G>T variant is predicted to result in the amino acid substitution p.Gly156Val. To our knowledge, this variant has not been reported in the literature or in a large population database, indicating this variant is rare. At this time, the clinical significance of this variant is uncertain due to the absence of conclusive functional and genetic evidence.

NM_001308093.3(GATA4):c.467G>T (p.Gly156Val)

Gene: GATA4 (GATA binding protein 4). Cytogenetic location: 8p23.1.
Variant type: single nucleotide variant.
Coding change: c.467G>T on transcript NM_001308093.3 (MANE Select); coding-DNA position 467, G replaced by T.
Protein change: p.Gly156Val; replaces glycine 156 with valine.
Molecular consequence: missense variant. On other transcripts: intron variant (3).
Genome position (GRCh38, 1-based): chr8:11,708,779, G>T. VCF-style: chr8-11708779-G-T. GRCh37 (hg19) VCF-style: chr8-11566288-G-T.
Other names: c.467G>T (NM_002052.4); c.467G>T, p.Gly156Val (NM_002052.5); c.-6+8001G>T (NM_001308094.2); c.-3+765G>T (NM_001374274.1); c.-3+4475G>T (NM_001374273.1); short protein forms G156V.
Identifiers: ClinVar variation 1304941 (VCV001304941.10), dbSNP rs1168049106, ClinGen allele CA370309684.